The following is an entry in ClinVar:

NM_024675.4(PALB2):c.1425_1426insT (p.Arg476Ter)

Gene: PALB2 (partner and localizer of BRCA2; minus strand). Cytogenetic location: 16p12.2.
Variant type: Insertion.
Coding change: c.1425_1426insT on transcript NM_024675.4 (MANE Select); coding-DNA positions 1425 to 1426, T inserted.
Protein change: p.Arg476Ter; replaces arginine 476 with a stop codon.
Molecular consequence: nonsense.
Genome position: GRCh38 VCF-style: chr16-23635120-T-TA. GRCh37 (hg19) VCF-style: chr16-23646441-T-TA.
Other names: short protein forms R476*.
Identifiers: ClinVar variation 231756 (VCV000231756.7), dbSNP rs876659341, ClinGen allele CA10580009.

ClinVar aggregate classification (germline): Pathogenic. Review status: criteria provided, multiple submitters, no conflicts (2 of 4 stars). 3 submissions from 3 submitters: Pathogenic (3). Last evaluated 2023-09-25.

Conditions:
Hereditary cancer-predisposing syndrome. Also called: Neoplastic Syndromes, Hereditary; Tumor predisposition; Hereditary Cancer Syndrome; Hereditary neoplastic syndrome. Identifiers: Orphanet 140162, MedGen C0027672, MeSH D009386, MONDO:0015356.
Familial cancer of breast. Also called: BREAST CANCER, FAMILIAL; hereditary breast carcinoma; Hereditary breast cancer. Identifiers: Orphanet 227535, MedGen C0346153, MONDO:0016419, OMIM 114480. Disease mechanism: loss of function.

Submissions (3):

Ambry Genetics
Classification: Pathogenic for Hereditary cancer-predisposing syndrome. Last evaluated: 2023-09-25. Review status: criteria provided, single submitter. Criteria: Ambry Variant Classification Scheme 2023. Collection method: clinical testing. Allele origin: germline.
Comment: The c.1425_1426insT pathogenic mutation, located in coding exon 4 of the PALB2 gene, results from an insertion of one nucleotide at position 1425, causing a translational frameshift with a predicted alternate stop codon (p.R476*). This variant is considered to be rare based on population cohorts in the Genome Aggregation Database (gnomAD). This alteration is expected to result in loss of function by premature protein truncation or nonsense-mediated mRNA decay. As such, this alteration is interpreted as a disease-causing mutation.

Myriad Genetics, Inc.
Classification: Pathogenic for Familial cancer of breast. Last evaluated: 2023-09-08. Review status: criteria provided, single submitter. Criteria: Myriad Autosomal Dominant, Autosomal Recessive and X-Linked Classification Criteria (2023). Collection method: clinical testing. Allele origin: unknown.
Comment: This variant is considered pathogenic. This variant creates a termination codon and is predicted to result in premature protein truncation.

Quest Diagnostics Nichols Institute San Juan Capistrano
Classification: Pathogenic. Last evaluated: 2019-11-07. Review status: criteria provided, single submitter. Criteria: Quest Diagnostics criteria. Collection method: clinical testing. Allele origin: unknown.
Comment: The variant results in a shift of the reading frame, and is therefore predicted to result in the loss of a functional protein. Found in at least one patient with expected phenotype for this gene, and not found in general population data.